The following is an entry in ClinVar:

ClinVar aggregate classification (germline): Uncertain significance (1 of 4 stars; one submission).

Submission:

Labcorp Genetics (formerly Invitae), Labcorp
Classification: Uncertain significance. Last evaluated: 2021-09-29. Review status: criteria provided, single submitter. Criteria: Invitae Variant Classification Sherloc (09022015). Collection method: clinical testing. Allele origin: germline.
Comment: This variant, c.809_811del, results in the deletion of 1 amino acid(s) of the SLC34A1 protein (p.Ile270del), but otherwise preserves the integrity of the reading frame. In summary, the available evidence is currently insufficient to determine the role of this variant in disease. Therefore, it has been classified as a Variant of Uncertain Significance. Experimental studies and prediction algorithms are not available or were not evaluated, and the functional significance of this variant is currently unknown. This variant has not been reported in the literature in individuals affected with SLC34A1-related conditions. This variant is not present in population databases (ExAC no frequency).

NM_003052.5(SLC34A1):c.806TCA[1] (p.Ile270del)

Gene: SLC34A1 (solute carrier family 34 member 1; plus strand). Cytogenetic location: 5q35.3.
Variant type: Microsatellite.
Coding change: c.806TCA[1] on transcript NM_003052.5 (MANE Select); one copy of the 3-base unit TCA starting at c.806; the reference has two copies in a row; one copy, 3 bases deleted.
Protein change: p.Ile270del; deletes isoleucine 270.
Molecular consequence: inframe deletion.
Genome position (GRCh38, 1-based): chr5:177,388,158-177,388,160, TCA deleted; deleting any 3 consecutive bases within chr5:177,388,154-177,388,160 gives the same sequence; the position shown is the placement nearest the transcript's 3' end. VCF-style (leftmost placement, unchanged base first): chr5-177388153-GATC-G. GRCh37 (hg19) VCF-style: chr5-176815154-GATC-G.
Other names: c.806TCA[1], p.Ile270del (NM_001167579.2); short protein forms I270del.
Identifiers: ClinVar variation 1488136 (VCV001488136.6), dbSNP rs1762668542, ClinGen allele CA1603565469.